The following is an entry in ClinVar:

NM_003172.4(SURF1):c.833+1_833+2insACCTGGGGAC

Gene: SURF1 (SURF1 cytochrome c oxidase assembly factor; minus strand). Cytogenetic location: 9q34.2.
Variant type: Insertion.
Coding change: c.833+1_833+2insACCTGGGGAC on transcript NM_003172.4 (MANE Select); the canonical splice donor site of the intron after coding-DNA position 833, ACCTGGGGAC inserted.
Molecular consequence: splice donor variant.
Genome position: GRCh38 VCF-style: chr9-133352059-A-ACCAGGTGTCC. GRCh37 (hg19) VCF-style: chr9-136218914-A-ACCAGGTGTCC.
Other names: c.506+1_506+2insACCTGGGGAC (NM_001280787.1).
Identifiers: ClinVar variation 1502070 (VCV001502070.6), dbSNP rs2119079909, ClinGen allele CA2573144042.

ClinVar aggregate classification (germline): Likely pathogenic (1 of 4 stars; one submission).

Conditions:
Leigh syndrome (NULS). Also called: Subacute necrotizing encephalopathy; Necrotizing encephalopathy infantile subacute of Leigh; Leigh's necrotizing encephalopathy; Leigh's disease; Leigh Syndrome (mtDNA deletion); LEIGH SYNDROME, NUCLEAR. Identifiers: Orphanet 506, MedGen C2931891, MONDO:0009723, OMIM 256000.

Submission:

Labcorp Genetics (formerly Invitae), Labcorp
Classification: Likely pathogenic for Leigh syndrome. Last evaluated: 2024-01-22. Review status: criteria provided, single submitter. Criteria: Invitae Variant Classification Sherloc (09022015). Collection method: clinical testing. Allele origin: germline.
Comment: This sequence change affects a splice site in intron 8 of the SURF1 gene. While this variant is not anticipated to result in nonsense mediated decay, it likely alters RNA splicing and results in a disrupted protein product. This variant is not present in population databases (gnomAD no frequency). Disruption of this splice site has been observed in individual(s) with Leigh syndrome (PMID: 22488715, 29933018). In at least one individual the data is consistent with being in trans (on the opposite chromosome) from a pathogenic variant. ClinVar contains an entry for this variant (Variation ID: 1502070). Variants that disrupt the consensus splice site are a relatively common cause of aberrant splicing (PMID: 17576681, 9536098). Algorithms developed to predict the effect of sequence changes on RNA splicing suggest that this variant may disrupt the consensus splice site. In summary, the currently available evidence indicates that the variant is pathogenic, but additional data are needed to prove that conclusively. Therefore, this variant has been classified as Likely Pathogenic.

Literature cited by the submitters: PubMed 22488715; PubMed 29933018; PubMed 17576681; PubMed 9536098.